The following is an entry in ClinVar:

NM_001170629.2(CHD8):c.1744C>T (p.Arg582Ter)

Gene: CHD8 (chromodomain helicase DNA binding protein 8; minus strand). Cytogenetic location: 14q11.2.
Variant type: single nucleotide variant.
Coding change: c.1744C>T on transcript NM_001170629.2 (MANE Select); coding-DNA position 1744, C replaced by T.
Protein change: p.Arg582Ter; replaces arginine 582 with a stop codon.
Molecular consequence: nonsense.
Genome position (GRCh38, 1-based): chr14:21,415,880, G>A on the plus strand (C>T on the coding strand, the complement: CHD8 is on the minus strand). VCF-style: chr14-21415880-G-A. GRCh37 (hg19) VCF-style: chr14-21884039-G-A.
Other names: c.907C>T, p.Arg303Ter (NM_020920.4); short protein forms R303*, R582*.
Identifiers: ClinVar variation 216903 (VCV000216903.31), dbSNP rs863224857, ClinGen allele CA278953.

ClinVar aggregate classification (germline): Pathogenic/Likely pathogenic. Review status: criteria provided, multiple submitters, no conflicts (2 of 4 stars). 4 submissions from 4 submitters: Pathogenic (3); Likely pathogenic (1). Last evaluated 2024-12-23.

Conditions:
Intellectual developmental disorder with autism and macrocephaly. Also called: Autism, susceptibility to, 18; CHD8-Related Neurodevelopmental Disorder with Overgrowth. Identifiers: Orphanet 642675, MedGen C3554373, MONDO:0014017, OMIM 615032.

Submissions (4):

GeneDx
Classification: Pathogenic. Last evaluated: 2024-12-23. Review status: criteria provided, single submitter. Criteria: GeneDx Variant Classification Process June 2021. Collection method: clinical testing. Allele origin: germline. Affected: yes.
Comment: Nonsense variant predicted to result in protein truncation or nonsense mediated decay in a gene for which loss of function is a known mechanism of disease; Not observed at significant frequency in large population cohorts (gnomAD); This variant is associated with the following publications: (PMID: 25326637, 36182950, 33149276)

Genomics, Clalit Research Institute, Clalit Health Care
Classification: Pathogenic for Intellectual developmental disorder with autism and macrocephaly. Last evaluated: 2024-11-25. Review status: criteria provided, single submitter. Criteria: ACMG Guidelines, 2015. Collection method: clinical testing. Allele origin: germline. Inheritance: Autosomal dominant inheritance. Affected: yes. Observed: 1 heterozygote.
Comment: Inheritance: The variant was identified in the Heterozygous state in the sample. Frequency: The variant is absent from the gnomAD reference population dataset. Variant type: Null variant in a gene where loss of function is a known mechanism of disease. Predicted to undergo NMD. Summary: Taken together, we interpret this variant to be Pathogenic.(PVS1, PM2, PS4_P)

CeGaT Center for Human Genetics Tuebingen
Classification: Pathogenic. Last evaluated: 2023-06-01. Review status: criteria provided, single submitter. Criteria: CeGaT Center For Human Genetics Tuebingen Variant Classification Criteria Version 2. Collection method: clinical testing. Allele origin: germline. Affected: yes. Observed: 1 variant allele.
Comment: CHD8: PVS1, PM2, PM6, PS4:Moderate

UCLA Clinical Genomics Center, UCLA
Classification: Likely pathogenic for Autism, susceptibility to, 18. Last evaluated: 2014-05-13. Review status: criteria provided, single submitter. Criteria: Lee et al. (JAMA. 2014). Collection method: clinical testing. Allele origin: de novo. Inheritance: Autosomal dominant inheritance. Affected: yes. Study: CES.